The following is an entry in ClinVar:

ClinVar aggregate classification (germline): Uncertain significance. Review status: criteria provided, multiple submitters, no conflicts (2 of 4 stars). 2 submissions from 2 submitters: Uncertain significance (2). Last evaluated 2023-11-27.

Allele frequency attached by ClinVar (database versions not stated): ExAC 0.00001; gnomAD 0.00001; TOPMed 0.00001.

Submissions (2):

Ambry Genetics
Classification: Uncertain significance. Last evaluated: 2023-11-27. Review status: criteria provided, single submitter. Criteria: Ambry Variant Classification Scheme 2023. Collection method: clinical testing. Allele origin: germline.

Labcorp Genetics (formerly Invitae), Labcorp
Classification: Uncertain significance. Last evaluated: 2022-10-13. Review status: criteria provided, single submitter. Criteria: Invitae Variant Classification Sherloc (09022015). Collection method: clinical testing. Allele origin: germline.
Comment: In summary, the available evidence is currently insufficient to determine the role of this variant in disease. Therefore, it has been classified as a Variant of Uncertain Significance. Algorithms developed to predict the effect of missense changes on protein structure and function are either unavailable or do not agree on the potential impact of this missense change (SIFT: "Deleterious"; PolyPhen-2: "Probably Damaging"; Align-GVGD: "Class C0"). This variant has not been reported in the literature in individuals affected with FGFRL1-related conditions. This variant is present in population databases (rs773419444, gnomAD 0.003%). This sequence change replaces glycine, which is neutral and non-polar, with serine, which is neutral and polar, at codon 300 of the FGFRL1 protein (p.Gly300Ser).

NM_001004356.3(FGFRL1):c.898G>A (p.Gly300Ser)

Gene: FGFRL1 (fibroblast growth factor receptor like 1; plus strand). Cytogenetic location: 4p16.3.
Variant type: single nucleotide variant.
Coding change: c.898G>A on transcript NM_001004356.3 (MANE Select); coding-DNA position 898, G replaced by A.
Protein change: p.Gly300Ser; replaces glycine 300 with serine.
Molecular consequence: missense variant.
Genome position (GRCh38, 1-based): chr4:1,024,490, G>A. VCF-style: chr4-1024490-G-A. GRCh37 (hg19) VCF-style: chr4-1018278-G-A.
Other names: c.898G>A, p.Gly300Ser (NM_001004358.1, NM_001370296.1, NM_021923.3); c.898G>A (NM_001004356.2); short protein forms G300S.
Identifiers: ClinVar variation 1989310 (VCV001989310.5), dbSNP rs773419444, ClinGen allele CA2802907.
Genomic context (GRCh38, chr4:1,024,490, plus strand): 5'-TGGCTGAAGCGCGTGGAGTACGGCGCCGAGGGCCGCCACAACTCCACCATCGATGTGGGC[G>A]GCCAGAAGTTTGTGGTGCTGCCCACGGGTGACGTGTGGTCGCGGCCCGACGGCTCCTACC-3'
Protein context (NP_001004356.1, residues 290-310): GRHNSTIDVG[Gly300Ser]QKFVVLPTGD